The following is an entry in ClinVar:

NM_000382.3(ALDH3A2):c.620A>C (p.Glu207Ala)

Gene: ALDH3A2 (aldehyde dehydrogenase 3 family member A2; plus strand). Cytogenetic location: 17p11.2.
Variant type: single nucleotide variant.
Coding change: c.620A>C on transcript NM_000382.3 (MANE Select); coding-DNA position 620, A replaced by C.
Protein change: p.Glu207Ala; replaces glutamic acid 207 with alanine.
Molecular consequence: missense variant.
Genome position (GRCh38, 1-based): chr17:19,656,514, A>C. VCF-style: chr17-19656514-A-C. GRCh37 (hg19) VCF-style: chr17-19559827-A-C.
Other names: NM_001369148.1:c.41A>C; c.620A>C, p.Glu207Ala (NM_001031806.2, NM_001369136.1, NM_001369137.2 and 3 more transcripts); c.41A>C, p.Glu14Ala (NM_001369148.2); short protein forms E14A, E207A.
Identifiers: ClinVar variation 1679833 (VCV001679833.1), dbSNP rs2544372289, ClinGen allele CA398706551.

ClinVar aggregate classification (germline): Uncertain significance (1 of 4 stars; one submission).

Conditions:
Sjögren-Larsson syndrome (SLS). Also called: FALDH DEFICIENCY; FATTY ALCOHOL:NAD+ OXIDOREDUCTASE DEFICIENCY; FATTY ALDEHYDE DEHYDROGENASE DEFICIENCY; ICHTHYOSIS, SPASTIC NEUROLOGIC DISORDER, AND OLIGOPHRENIA. Identifiers: Orphanet 816, MedGen C0037231, MONDO:0010031, OMIM 270200.

Submission:

Broad Center for Mendelian Genomics, Broad Institute of MIT and Harvard
Classification: Uncertain significance for Sjögren-Larsson syndrome. Last evaluated: 2022-05-04. Review status: criteria provided, single submitter. Criteria: ACMG Guidelines, 2015. Collection method: curation. Allele origin: germline. Inheritance: Autosomal recessive inheritance.
Comment: The variant has been reported in 1 individual of unknown ethnicity with Sjogren-Larsson syndrome (PMID: 32533806) but was absent from large population studies. Computational prediction tools and conservation analyses suggest that this variant may impact the protein, though this information is not predictive enough to determine pathogenicity. The presence of this variant in 2 affected homozygotes increases the likelihood that the p.Glu207Ala variant is pathogenic. In summary, while there is some suspicion for a pathogenic role, the clinical significance of this variant is uncertain. ACMG/AMP Criteria applied: PM2, PM3_supporting, PP3 (Richards 2015).